The following is an entry in ClinVar:

ClinVar aggregate classification (germline): Uncertain significance (1 of 4 stars; one submission).

Submission:

Labcorp Genetics (formerly Invitae), Labcorp
Classification: Uncertain significance. Last evaluated: 2022-08-09. Review status: criteria provided, single submitter. Criteria: Invitae Variant Classification Sherloc (09022015). Collection method: clinical testing. Allele origin: germline.
Comment: This sequence change replaces leucine, which is neutral and non-polar, with phenylalanine, which is neutral and non-polar, at codon 39 of the GPR143 protein (p.Leu39Phe). In summary, the available evidence is currently insufficient to determine the role of this variant in disease. Therefore, it has been classified as a Variant of Uncertain Significance. Algorithms developed to predict the effect of missense changes on protein structure and function output the following: SIFT: "Deleterious"; PolyPhen-2: "Benign"; Align-GVGD: "Class C0". The phenylalanine amino acid residue is found in multiple mammalian species, which suggests that this missense change does not adversely affect protein function. ClinVar contains an entry for this variant (Variation ID: 1446995). This variant has not been reported in the literature in individuals affected with GPR143-related conditions. This variant is not present in population databases (gnomAD no frequency).

NM_000273.3(GPR143):c.115C>T (p.Leu39Phe)

Gene: GPR143 (G protein-coupled receptor 143; minus strand). Cytogenetic location: Xp22.2.
Variant type: single nucleotide variant.
Coding change: c.115C>T on transcript NM_000273.3 (MANE Select); coding-DNA position 115, C replaced by T.
Protein change: p.Leu39Phe; replaces leucine 39 with phenylalanine.
Molecular consequence: missense variant.
Genome position (GRCh38, 1-based): chrX:9,765,703, G>A on the plus strand (C>T on the coding strand, the complement: GPR143 is on the minus strand). VCF-style: chrX-9765703-G-A. GRCh37 (hg19) VCF-style: chrX-9733743-G-A.
Other names: short protein forms L39F.
Identifiers: ClinVar variation 1446995 (VCV001446995.6), dbSNP rs2146705928, ClinGen allele CA412000704.
Genomic context (GRCh38, chrX:9,765,703, plus strand): 5'-ACCCGGGGCCCGCGGGCCGGCGGCCGGGCAGCAGCTGCAGAAGGCCCAGCGCCAAGCGGA[G>A]CCCGCCGCTGCCCAGGCAGAGCGCGTGGAAGGCCCGCGGCTGGAAGCTCAGCACGAGCTG-3'
Protein context (NP_000264.2, residues 29-49): FHALCLGSGG[Leu39Phe]RLALGLLQLL